The following is an entry in ClinVar:

NM_019032.6(ADAMTSL4):c.2838C>G (p.Asn946Lys)

Gene: ADAMTSL4 (ADAMTS like 4; plus strand). Cytogenetic location: 1q21.2.
Variant type: single nucleotide variant.
Coding change: c.2838C>G on transcript NM_019032.6 (MANE Select); coding-DNA position 2838, C replaced by G.
Protein change: p.Asn946Lys; replaces asparagine 946 with lysine.
Molecular consequence: missense variant.
Genome position (GRCh38, 1-based): chr1:150,559,361, C>G. VCF-style: chr1-150559361-C-G. GRCh37 (hg19) VCF-style: chr1-150531837-C-G.
Other names: c.2721C>G, p.Asn907Lys (NM_001288607.2); c.2907C>G, p.Asn969Lys (NM_001288608.2); c.2838C>G, p.Asn946Lys (NM_001378596.1); short protein forms N946K, N969K, N907K.
Identifiers: ClinVar variation 1916297 (VCV001916297.3), dbSNP rs370834300, ClinGen allele CA1078855.
Genomic context (GRCh38, chr1:150,559,361, plus strand): 5'-TGGCTCTGGCACACAGCGTAGAGACATCATCTGTGTATCCAAACTGGGGACGGAGTTCAA[C>G]GTGACTTCTCCGAGCAACTGTTCTCACCTCCCCAGGCCCCCTGCCCTGCAGCCCTGTCAA-3'
Protein context (NP_061905.2, residues 936-956): ICVSKLGTEF[Asn946Lys]VTSPSNCSHL

ClinVar aggregate classification (germline): Uncertain significance. Review status: criteria provided, multiple submitters, no conflicts (2 of 4 stars). 2 submissions from 2 submitters: Uncertain significance (2). Last evaluated 2022-07-06.

Allele frequency attached by ClinVar (database versions not stated): ExAC 0.00002; ESP Exome Variant Server 0.00008.
gnomAD v4.1: 38 of 1,613,816 alleles (0.0024%); highest among the groups gnomAD compares: Middle Eastern, 0.082%; no homozygotes.

Submissions (2):

Labcorp Genetics (formerly Invitae), Labcorp
Classification: Uncertain significance. Last evaluated: 2022-07-06. Review status: criteria provided, single submitter. Criteria: Invitae Variant Classification Sherloc (09022015). Collection method: clinical testing. Allele origin: germline.
Comment: This sequence change replaces asparagine, which is neutral and polar, with lysine, which is basic and polar, at codon 946 of the ADAMTSL4 protein (p.Asn946Lys). This variant is present in population databases (rs370834300, gnomAD 0.01%). This variant has not been reported in the literature in individuals affected with ADAMTSL4-related conditions. Algorithms developed to predict the effect of missense changes on protein structure and function (SIFT, PolyPhen-2, Align-GVGD) all suggest that this variant is likely to be disruptive. In summary, the available evidence is currently insufficient to determine the role of this variant in disease. Therefore, it has been classified as a Variant of Uncertain Significance.

Blueprint Genetics
Classification: Uncertain significance. Last evaluated: 2020-09-24. Review status: criteria provided, single submitter. Criteria: ACMG Guidelines, 2015. Collection method: clinical testing. Allele origin: germline.